The following is an entry in ClinVar:

NM_000368.5(TSC1):c.2390A>G (p.Gln797Arg)

Gene: TSC1 (TSC complex subunit 1; minus strand). Cytogenetic location: 9q34.13.
Variant type: single nucleotide variant.
Coding change: c.2390A>G on transcript NM_000368.5 (MANE Select); coding-DNA position 2390, A replaced by G.
Protein change: p.Gln797Arg; replaces glutamine 797 with arginine.
Molecular consequence: missense variant. On other transcripts: non-coding transcript variant (5).
Genome position (GRCh38, 1-based): chr9:132,902,606, T>C on the plus strand (A>G on the coding strand, the complement: TSC1 is on the minus strand). VCF-style: chr9-132902606-T-C. GRCh37 (hg19) VCF-style: chr9-135777993-T-C.
Other names: c.2387A>G, p.Gln796Arg (NM_001162426.2, NM_001406597.1, NM_001406598.1 and 4 more transcripts); c.2237A>G, p.Gln746Arg (NM_001162427.2, NM_001406610.1); c.2027A>G, p.Gln676Arg (NM_001362177.2, NM_001406615.1, NM_001406616.1 and 5 more transcripts); c.2390A>G, p.Gln797Arg (NM_001406592.1, NM_001406593.1, NM_001406594.1 and 5 more transcripts); c.2375A>G, p.Gln792Arg (NM_001406601.1, NM_001406602.1); c.2372A>G, p.Gln791Arg (NM_001406603.1, NM_001406604.1); c.2024A>G, p.Gln675Arg (NM_001406620.1, NM_001406621.1, NM_001406622.1 and 2 more transcripts); c.2234A>G, p.Gln745Arg (NM_001406611.1, NM_001406612.1, NM_001406613.1); and 3 more; short protein forms Q480R, Q675R, Q479R, Q746R, Q791R, Q792R, Q797R, Q446R.
Identifiers: ClinVar variation 2878368 (VCV002878368.3), dbSNP rs2131727903, ClinGen allele CA375358987.

ClinVar aggregate classification (germline): Uncertain significance (1 of 4 stars; one submission).

Conditions:
Tuberous sclerosis 1 (TSC1). Identifiers: Orphanet 805, MedGen C1854465, MONDO:0008612, OMIM 191100.

Submission:

Labcorp Genetics (formerly Invitae), Labcorp
Classification: Uncertain significance for Tuberous sclerosis 1. Last evaluated: 2023-03-02. Review status: criteria provided, single submitter. Criteria: Invitae Variant Classification Sherloc (09022015). Collection method: clinical testing. Allele origin: germline.
Comment: In summary, the available evidence is currently insufficient to determine the role of this variant in disease. Therefore, it has been classified as a Variant of Uncertain Significance. Algorithms developed to predict the effect of sequence changes on RNA splicing suggest that this variant may disrupt the consensus splice site. An algorithm developed to predict the effect of missense changes on protein structure and function (PolyPhen-2) suggests that this variant is likely to be tolerated. This variant has not been reported in the literature in individuals affected with TSC1-related conditions. This variant is not present in population databases (gnomAD no frequency). This sequence change replaces glutamine, which is neutral and polar, with arginine, which is basic and polar, at codon 797 of the TSC1 protein (p.Gln797Arg).